The following is an entry in ClinVar:

NM_006231.4(POLE):c.5407G>T (p.Val1803Leu)

Gene: POLE (DNA polymerase epsilon, catalytic subunit; minus strand). Cytogenetic location: 12q24.33.
Variant type: single nucleotide variant.
Coding change: c.5407G>T on transcript NM_006231.4 (MANE Select); coding-DNA position 5407, G replaced by T.
Protein change: p.Val1803Leu; replaces valine 1803 with leucine.
Molecular consequence: missense variant.
Genome position (GRCh38, 1-based): chr12:132,639,270, C>A on the plus strand (G>T on the coding strand, the complement: POLE is on the minus strand). VCF-style: chr12-132639270-C-A. GRCh37 (hg19) VCF-style: chr12-133215856-C-A.
Other names: short protein forms V1803L.
Identifiers: ClinVar variation 2855099 (VCV002855099.3), dbSNP rs1555221935, ClinGen allele CA387375033.

ClinVar aggregate classification (germline): Uncertain significance (1 of 4 stars; one submission).

Submission:

Labcorp Genetics (formerly Invitae), Labcorp
Classification: Uncertain significance. Last evaluated: 2023-07-25. Review status: criteria provided, single submitter. Criteria: Invitae Variant Classification Sherloc (09022015). Collection method: clinical testing. Allele origin: germline.
Comment: In summary, the available evidence is currently insufficient to determine the role of this variant in disease. Therefore, it has been classified as a Variant of Uncertain Significance. Advanced modeling of protein sequence and biophysical properties (such as structural, functional, and spatial information, amino acid conservation, physicochemical variation, residue mobility, and thermodynamic stability) performed at Invitae indicates that this missense variant is not expected to disrupt POLE protein function. This variant has not been reported in the literature in individuals affected with POLE-related conditions. This variant is not present in population databases (gnomAD no frequency). This sequence change replaces valine, which is neutral and non-polar, with leucine, which is neutral and non-polar, at codon 1803 of the POLE protein (p.Val1803Leu).